The following is an entry in ClinVar:

NM_001165963.4(SCN1A):c.5344A>G (p.Ile1782Val)

Genes: SCN1A (sodium voltage-gated channel alpha subunit 1; minus strand), LOC102724058 (uncharacterized LOC102724058; plus strand). Cytogenetic location: 2q24.3.
Variant type: single nucleotide variant.
Coding change: c.5344A>G on transcript NM_001165963.4 (MANE Select); coding-DNA position 5344, A replaced by G.
Protein change: p.Ile1782Val; replaces isoleucine 1782 with valine.
Molecular consequence: missense variant. On other transcripts: non-coding transcript variant (1).
Genome position (GRCh38, 1-based): chr2:165,991,931, T>C on the plus strand (A>G on the coding strand, the complement: SCN1A is on the minus strand). VCF-style: chr2-165991931-T-C. GRCh37 (hg19) VCF-style: chr2-166848441-T-C.
Other names: c.5260A>G, p.Ile1754Val (NM_001165964.3, NM_001353957.2, NM_001353958.2); c.5344A>G, p.Ile1782Val (NM_001202435.3, NM_001353948.2); c.5311A>G, p.Ile1771Val (NM_001353949.2, NM_001353950.2, NM_001353951.2 and 2 more transcripts); c.5308A>G, p.Ile1770Val (NM_001353954.2, NM_001353955.2); c.5257A>G, p.Ile1753Val (NM_001353960.2); c.2902A>G, p.Ile968Val (NM_001353961.2); short protein forms I1770V, I968V, I1754V, I1753V, I1782V, I1771V.
Identifiers: ClinVar variation 2813384 (VCV002813384.3), dbSNP rs1689240616, ClinGen allele CA349068080.
Genomic context (GRCh38, chr2:165,991,931, plus strand): 5'-CACTCAGAGGCTCTGCACTTTCTTCAGTAGCAACACTGAAGTTCTCCAGGATGACCGCGA[T>C]GTACATGTTCACCACAACCAGGAAGGATATGATGATGTAACTGACAAAAAAGAAAATTCC-3'
Protein context (NP_001159435.1, residues 1772-1792): ISFLVVVNMY[Ile1782Val]AVILENFSVA

ClinVar aggregate classification (germline): Likely pathogenic (1 of 4 stars; one submission).

Conditions:
Early-infantile DEE. Also called: Early infantile epileptic encephalopathy; Early infantile epileptic encephalopathy with suppression bursts; Ohtahara syndrome. Identifiers: Orphanet 1934, MedGen C0393706, MONDO:0800491.

Submission:

Labcorp Genetics (formerly Invitae), Labcorp
Classification: Likely pathogenic for Early-infantile DEE. Last evaluated: 2022-12-25. Review status: criteria provided, single submitter. Criteria: Invitae Variant Classification Sherloc (09022015). Collection method: clinical testing. Allele origin: germline.
Comment: In summary, the currently available evidence indicates that the variant is pathogenic, but additional data are needed to prove that conclusively. Therefore, this variant has been classified as Likely Pathogenic. This variant disrupts the p.Ile1782 amino acid residue in SCN1A. Other variant(s) that disrupt this residue have been determined to be pathogenic (PMID: 20522430). This suggests that this residue is clinically significant, and that variants that disrupt this residue are likely to be disease-causing. Advanced modeling of protein sequence and biophysical properties (such as structural, functional, and spatial information, amino acid conservation, physicochemical variation, residue mobility, and thermodynamic stability) performed at Invitae indicates that this missense variant is expected to disrupt SCN1A protein function. This variant has not been reported in the literature in individuals affected with SCN1A-related conditions. This variant is not present in population databases (gnomAD no frequency). This sequence change replaces isoleucine, which is neutral and non-polar, with valine, which is neutral and non-polar, at codon 1782 of the SCN1A protein (p.Ile1782Val).

Literature cited by the submitters: PubMed 20522430.